The following is an entry in ClinVar:

NM_000038.6(APC):c.2976T>A (p.Ser992Arg)

Gene: APC (APC regulator of Wnt signaling pathway; plus strand). Cytogenetic location: 5q22.2.
Variant type: single nucleotide variant.
Coding change: c.2976T>A on transcript NM_000038.6 (MANE Select); coding-DNA position 2976, T replaced by A.
Protein change: p.Ser992Arg; replaces serine 992 with arginine.
Molecular consequence: missense variant. On other transcripts: non-coding transcript variant (2).
Genome position (GRCh38, 1-based): chr5:112,838,570, T>A. VCF-style: chr5-112838570-T-A. GRCh37 (hg19) VCF-style: chr5-112174267-T-A.
Other names: c.2976T>A, p.Ser992Arg (NM_001127510.3, NM_001354895.2, NM_001407450.1); c.2922T>A, p.Ser974Arg (NM_001127511.3); c.3030T>A, p.Ser1010Arg (NM_001354896.2, NM_001407447.1, NM_001407448.1 and 1 more transcripts); c.3006T>A, p.Ser1002Arg (NM_001354897.2); c.2901T>A, p.Ser967Arg (NM_001354898.2); c.2892T>A, p.Ser964Arg (NM_001354899.2); c.2853T>A, p.Ser951Arg (NM_001354900.2); c.2799T>A, p.Ser933Arg (NM_001354901.2, NM_001407453.1); and 11 more; short protein forms S1010R, S1020R, S866R, S909R, S951R, S964R, S985R, S608R.
Identifiers: ClinVar variation 3410224 (VCV003410224.1).

ClinVar aggregate classification (germline): Uncertain significance (1 of 4 stars; one submission).

Conditions:
Hereditary cancer-predisposing syndrome. Also called: Neoplastic Syndromes, Hereditary; Tumor predisposition; Hereditary Cancer Syndrome; Hereditary neoplastic syndrome. Identifiers: Orphanet 140162, MedGen C0027672, MeSH D009386, MONDO:0015356.

Submission:

Ambry Genetics
Classification: Uncertain significance for Hereditary cancer-predisposing syndrome. Last evaluated: 2024-08-16. Review status: criteria provided, single submitter. Criteria: Ambry Variant Classification Scheme 2023. Collection method: clinical testing. Allele origin: germline.
Comment: The p.S992R variant (also known as c.2976T>A), located in coding exon 15 of the APC gene, results from a T to A substitution at nucleotide position 2976. The serine at codon 992 is replaced by arginine, an amino acid with dissimilar properties. This amino acid position is conserved. In addition, in silico predictors for this gene do not accurately predict pathogenicity. Based on the available evidence, the clinical significance of this variant remains unclear.